The following is an entry in ClinVar:

ClinVar aggregate classification (germline): Benign (0 of 4 stars; one submission).

Conditions:
DNHD1-related disorder. Also called: DNHD1-related condition.

Allele frequency attached by ClinVar (database versions not stated): 1000 Genomes Project 30x 0.07121; 1000 Genomes Project 0.07268; gnomAD 0.07754; TOPMed 0.07834; ESP Exome Variant Server 0.08410; gnomAD exomes 0.10587; ExAC 0.12977.
gnomAD v4.1: 160,138 of 1,551,352 alleles (10%); highest among the groups gnomAD compares: South Asian, 19%; 9,352 homozygotes.

Submission:

PreventionGenetics, part of Exact Sciences
Classification: Benign for DNHD1-related condition. Last evaluated: 2019-12-04. Review status: no assertion criteria provided. Collection method: clinical testing. Allele origin: germline.
Comment: This variant is classified as benign based on ACMG/AMP sequence variant interpretation guidelines (Richards et al. 2015 PMID: 25741868, with internal and published modifications).

NM_144666.3(DNHD1):c.9501G>A (p.Gln3167=)

Gene: DNHD1 (dynein heavy chain domain 1; plus strand). Cytogenetic location: 11p15.4.
Variant type: single nucleotide variant.
Coding change: c.9501G>A on transcript NM_144666.3 (MANE Select); coding-DNA position 9501, G replaced by A.
Protein change: p.Gln3167=; no amino-acid change (glutamine 3167 retained).
Molecular consequence: synonymous variant.
Genome position (GRCh38, 1-based): chr11:6,559,265, G>A. VCF-style: chr11-6559265-G-A. GRCh37 (hg19) VCF-style: chr11-6580495-G-A.
Identifiers: ClinVar variation 3056797 (VCV003056797.2), dbSNP rs72901756, ClinGen allele CA5856392.